The following is an entry in ClinVar:

NM_000632.4(ITGAM):c.875G>A (p.Arg292His)

Gene: ITGAM (integrin subunit alpha M; plus strand). Cytogenetic location: 16p11.2.
Variant type: single nucleotide variant.
Coding change: c.875G>A on transcript NM_000632.4 (MANE Select); coding-DNA position 875, G replaced by A.
Protein change: p.Arg292His; replaces arginine 292 with histidine.
Molecular consequence: missense variant.
Genome position (GRCh38, 1-based): chr16:31,275,565, G>A. VCF-style: chr16-31275565-G-A. GRCh37 (hg19) VCF-style: chr16-31286886-G-A.
Other names: c.875G>A, p.Arg292His (NM_001145808.2); short protein forms R292H.
Identifiers: ClinVar variation 1042498 (VCV001042498.6), dbSNP rs61755176, ClinGen allele CA8025366.

ClinVar aggregate classification (germline): Uncertain significance (1 of 4 stars; one submission).

Allele frequency attached by ClinVar (database versions not stated): gnomAD 0.00057 and 0.00061; TOPMed 0.00057; gnomAD exomes 0.00062; ExAC 0.00072; ESP Exome Variant Server 0.00073.
gnomAD v4.1: 1,284 of 1,613,792 alleles (0.08%); highest among the groups gnomAD compares: Non-Finnish European, 0.098%; 1 homozygote.

Submission:

Labcorp Genetics (formerly Invitae), Labcorp
Classification: Uncertain significance. Last evaluated: 2026-01-06. Review status: criteria provided, single submitter. Criteria: Invitae Variant Classification Sherloc (09022015). Collection method: clinical testing. Allele origin: germline.
Comment: This sequence change replaces arginine, which is basic and polar, with histidine, which is basic and polar, at codon 292 of the ITGAM protein (p.Arg292His). This variant is present in population databases (rs61755176, gnomAD 0.1%), and has an allele count higher than expected for a pathogenic variant. This variant has not been reported in the literature in individuals affected with ITGAM-related conditions. ClinVar contains an entry for this variant (Variation ID: 1042498). An algorithm developed to predict the effect of missense changes on protein structure and function outputs the following: PolyPhen-2: "Benign". The histidine amino acid residue is found in multiple mammalian species, which suggests that this missense change does not adversely affect protein function. In summary, the available evidence is currently insufficient to determine the role of this variant in disease. Therefore, it has been classified as a Variant of Uncertain Significance.